The following is an entry in ClinVar:

ClinVar aggregate classification (germline): Uncertain significance. Review status: criteria provided, multiple submitters, no conflicts (2 of 4 stars). 2 submissions from 2 submitters: Uncertain significance (2). Last evaluated 2025-10-20.

Conditions:
Oculootoradial syndrome (IVIC). Also called: RADIAL RAY DEFECTS, HEARING IMPAIRMENT, EXTERNAL OPHTHALMOPLEGIA, AND THROMBOCYTOPENIA; IVIC syndrome. Identifiers: Orphanet 2307, MedGen C1327918, MONDO:0007836, OMIM 147750.
Duane-radial ray syndrome (DRRS). Also called: ACRORENOOCULAR SYNDROME; DR SYNDROME; DUANE ANOMALY WITH RADIAL RAY ABNORMALITIES AND DEAFNESS; Duane-Radial Ray Syndrome (DRRS) / Okihiro Syndrome; Okihiro Syndrome; Duane-Radial Ray Syndrome/Okihiro Syndrome. Identifiers: Orphanet 93293, Orphanet 959, MedGen C1623209, MONDO:0011812, OMIM 607323. Disease mechanism: gain of function.

Submissions (2):

Labcorp Genetics (formerly Invitae), Labcorp
Classification: Uncertain significance for Duane-radial ray syndrome. Last evaluated: 2025-10-20. Review status: criteria provided, single submitter. Criteria: Invitae Variant Classification Sherloc (09022015). Collection method: clinical testing. Allele origin: germline.
Comment: This sequence change replaces arginine, which is basic and polar, with tryptophan, which is neutral and slightly polar, at codon 196 of the SALL4 protein (p.Arg196Trp). This variant is present in population databases (rs151297824, gnomAD 0.007%). This variant has not been reported in the literature in individuals affected with SALL4-related conditions. ClinVar contains an entry for this variant (Variation ID: 3587387). An algorithm developed to predict the effect of missense changes on protein structure and function (PolyPhen-2) suggests that this variant is likely to be disruptive. In summary, the available evidence is currently insufficient to determine the role of this variant in disease. Therefore, it has been classified as a Variant of Uncertain Significance.

Fulgent Genetics
Classification: Uncertain significance for Oculootoradial syndrome; Duane-radial ray syndrome. Last evaluated: 2024-02-23. Review status: criteria provided, single submitter. Criteria: ACMG Guidelines, 2015. Collection method: clinical testing. Allele origin: germline.

NM_020436.5(SALL4):c.586C>T (p.Arg196Trp)

Gene: SALL4 (spalt like transcription factor 4; minus strand). Cytogenetic location: 20q13.2.
Variant type: single nucleotide variant.
Coding change: c.586C>T on transcript NM_020436.5 (MANE Select); coding-DNA position 586, C replaced by T.
Protein change: p.Arg196Trp; replaces arginine 196 with tryptophan.
Molecular consequence: missense variant.
Genome position (GRCh38, 1-based): chr20:51,791,897, G>A on the plus strand (C>T on the coding strand, the complement: SALL4 is on the minus strand). VCF-style: chr20-51791897-G-A. GRCh37 (hg19) VCF-style: chr20-50408436-G-A.
Other names: c.586C>T, p.Arg196Trp (NM_001318031.2); short protein forms R196W.
Identifiers: ClinVar variation 3587387 (VCV003587387.2).